The following is an entry in ClinVar:

ClinVar aggregate classification (germline): Uncertain significance (1 of 4 stars; one submission).

Allele frequency attached by ClinVar (database versions not stated): TOPMed below 0.00001; gnomAD 0.00001.

Submission:

GeneDx
Classification: Uncertain significance. Last evaluated: 2019-11-08. Review status: criteria provided, single submitter. Criteria: GeneDx Variant Classification Process June 2021. Collection method: clinical testing. Allele origin: germline. Affected: yes.
Comment: Not observed in large population cohorts (Lek et al., 2016); In silico analysis, which includes protein predictors and evolutionary conservation, supports that this variant does not alter protein structure/function; Has not been previously published as pathogenic or benign to our knowledge

NM_001348716.2(KDM6B):c.1030G>C (p.Ala344Pro)

Gene: KDM6B (lysine demethylase 6B; plus strand). Cytogenetic location: 17p13.1.
Variant type: single nucleotide variant.
Coding change: c.1030G>C on transcript NM_001348716.2 (MANE Select); coding-DNA position 1030, G replaced by C.
Protein change: p.Ala344Pro; replaces alanine 344 with proline.
Molecular consequence: missense variant.
Genome position (GRCh38, 1-based): chr17:7,847,225, G>C. VCF-style: chr17-7847225-G-C. GRCh37 (hg19) VCF-style: chr17-7750543-G-C.
Other names: c.1030G>C, p.Ala344Pro (NM_001080424.2); short protein forms A344P.
Identifiers: ClinVar variation 1310157 (VCV001310157.2), dbSNP rs1362384514, ClinGen allele CA397915019.